The following is an entry in ClinVar:

ClinVar aggregate classification (germline): Uncertain significance. Review status: criteria provided, single submitter (1 of 4 stars). 2 submissions from 2 submitters: Uncertain significance (1). 1 of the submissions does not count toward it. Last evaluated 2025-11-11.

Allele frequency attached by ClinVar (database versions not stated): gnomAD exomes 0.00001; TOPMed 0.00001.
gnomAD v4.1: 12 of 1,614,234 alleles (0.00074%); highest among the groups gnomAD compares: Non-Finnish European, 0.001%; no homozygotes.

Submissions (2):

Labcorp Genetics (formerly Invitae), Labcorp
Classification: Uncertain significance. Last evaluated: 2025-11-11. Review status: criteria provided, single submitter. Criteria: Invitae Variant Classification Sherloc (09022015). Collection method: clinical testing. Allele origin: germline.
Comment: This sequence change replaces arginine, which is basic and polar, with isoleucine, which is neutral and non-polar, at codon 736 of the ERCC3 protein (p.Arg736Ile). This variant is present in population databases (rs587778276, gnomAD 0.002%). This variant has not been reported in the literature in individuals affected with ERCC3-related conditions. ClinVar contains an entry for this variant (Variation ID: 134122). Invitae Evidence Modeling of protein sequence and biophysical properties (such as structural, functional, and spatial information, amino acid conservation, physicochemical variation, residue mobility, and thermodynamic stability) indicates that this missense variant is not expected to disrupt ERCC3 protein function with a negative predictive value of 80%. In summary, the available evidence is currently insufficient to determine the role of this variant in disease. Therefore, it has been classified as a Variant of Uncertain Significance.

ITMI
No classification provided. Condition: AllHighlyPenetrant. Last evaluated: 2013-09-19. Review status: no classification provided. Collection method: reference population. Allele origin: germline. Not counted in ClinVar's aggregate classification.
Comment: Please see associated publication for description of ethnicities

Literature cited by the submitters: PubMed 24728327 (cited by ITMI).

NM_000122.2(ERCC3):c.2207G>T (p.Arg736Ile)

Gene: ERCC3 (ERCC excision repair 3, TFIIH core complex helicase subunit; minus strand). Cytogenetic location: 2q14.3.
Variant type: single nucleotide variant.
Coding change: c.2207G>T on transcript NM_000122.2 (MANE Select); coding-DNA position 2207, G replaced by T.
Protein change: p.Arg736Ile; replaces arginine 736 with isoleucine.
Molecular consequence: missense variant.
Genome position (GRCh38, 1-based): chr2:127,259,306, C>A on the plus strand (G>T on the coding strand, the complement: ERCC3 is on the minus strand). VCF-style: chr2-127259306-C-A. GRCh37 (hg19) VCF-style: chr2-128016882-C-A.
Other names: c.2015G>T, p.Arg672Ile (NM_001303416.2, NM_001303418.2); short protein forms R736I, R672I.
Identifiers: ClinVar variation 134122 (VCV000134122.5), dbSNP rs587778276, ClinGen allele CA158833.
Genomic context (GRCh38, chr2:127,259,306, plus strand): 5'-CTGCCCTGTGAGAGCACTGACACCTGGAACCTCCTCACCCATTTACTCACCTGGCTGGAT[C>A]TGGAGCCAAATTCCCCAGCCACCACCTCCTCCTCGGCATCCAGGTCAGTGGCTGCCAGGA-3'
Protein context (NP_000113.1, residues 726-746): EEVVAGEFGS[Arg736Ile]SSQASRRFGT